The following is an entry in ClinVar:

ClinVar aggregate classification (germline): Benign (0 of 4 stars; one submission).

Conditions:
CCDC18-related disorder. Also called: CCDC18-related condition.

Allele frequency attached by ClinVar (database versions not stated): gnomAD exomes 0.00054; ExAC 0.00134; 1000 Genomes Project 0.00399; gnomAD 0.00414; 1000 Genomes Project 30x 0.00437; ESP Exome Variant Server 0.00439; TOPMed 0.00479.
gnomAD v4.1: 1,450 of 1,613,328 alleles (0.09%); highest among the groups gnomAD compares: African/African-American, 1.5%; 7 homozygotes.

Submission:

PreventionGenetics, part of Exact Sciences
Classification: Benign for CCDC18-related condition. Last evaluated: 2019-03-21. Review status: no assertion criteria provided. Collection method: clinical testing. Allele origin: germline.
Comment: This variant is classified as benign based on ACMG/AMP sequence variant interpretation guidelines (Richards et al. 2015 PMID: 25741868, with internal and published modifications).

NM_001378204.1(CCDC18):c.1285C>T (p.Arg429Cys)

Gene: CCDC18 (coiled-coil domain containing 18; plus strand). Cytogenetic location: 1p22.1.
Variant type: single nucleotide variant.
Coding change: c.1285C>T on transcript NM_001378204.1 (MANE Select); coding-DNA position 1285, C replaced by T.
Protein change: p.Arg429Cys; replaces arginine 429 with cysteine.
Molecular consequence: missense variant.
Genome position (GRCh38, 1-based): chr1:93,210,877, C>T. VCF-style: chr1-93210877-C-T. GRCh37 (hg19) VCF-style: chr1-93676434-C-T.
Other names: c.1285C>T, p.Arg429Cys (NM_001306076.1, NM_206886.4); short protein forms R429C.
Identifiers: ClinVar variation 3048350 (VCV003048350.2), dbSNP rs185127229, ClinGen allele CA953989.